The following is an entry in ClinVar:

NM_001283009.2(RTEL1):c.2801G>C (p.Cys934Ser)

Genes: RTEL1 (regulator of telomere elongation helicase 1; plus strand), RTEL1-TNFRSF6B (RTEL1-TNFRSF6B readthrough (NMD candidate); plus strand). Cytogenetic location: 20q13.33.
Variant type: single nucleotide variant.
Coding change: c.2801G>C on transcript NM_001283009.2 (MANE Select); coding-DNA position 2801, G replaced by C.
Protein change: p.Cys934Ser; replaces cysteine 934 with serine.
Molecular consequence: missense variant. On other transcripts: non-coding transcript variant (1).
Genome position (GRCh38, 1-based): chr20:63,692,953, G>C. VCF-style: chr20-63692953-G-C. GRCh37 (hg19) VCF-style: chr20-62324306-G-C.
Other names: c.2132G>C, p.Cys711Ser (NM_001283010.1); c.2801G>C, p.Cys934Ser (NM_016434.4); c.2873G>C, p.Cys958Ser (NM_032957.5); short protein forms C711S, C934S, C958S.
Identifiers: ClinVar variation 1060343 (VCV001060343.10), dbSNP rs1263651818, ClinGen allele CA409683064.

ClinVar aggregate classification (germline): Uncertain significance. Review status: criteria provided, multiple submitters, no conflicts (2 of 4 stars). 3 submissions from 3 submitters: Uncertain significance (3). Last evaluated 2026-02-17.

Conditions:
Dyskeratosis congenita, autosomal recessive 5 (DKCB5). Identifiers: MedGen C3554656, MONDO:0014076, OMIM 615190.
Pulmonary fibrosis and/or bone marrow failure, Telomere-related, 3. Also called: PULMONARY FIBROSIS AND/OR BONE MARROW FAILURE SYNDROME, TELOMERE-RELATED, 3. Identifiers: Orphanet 2032, MedGen C4225346, MONDO:0014613, OMIM 616373.
Inborn genetic diseases. Identifiers: MedGen C0950123, MeSH D030342.

gnomAD v4.1: 1 of 1,612,666 alleles (0.000062%); highest among the groups gnomAD compares: South Asian, 0.0011%; no homozygotes.

Submissions (3):

Ambry Genetics
Classification: Uncertain significance for Inborn genetic diseases. Last evaluated: 2026-02-17. Review status: criteria provided, single submitter. Criteria: Ambry Variant Classification Scheme 2023. Collection method: clinical testing. Allele origin: germline.
Comment: The p.C934S variant (also known as c.2801G>C), located in coding exon 28 of the RTEL1 gene, results from a G to C substitution at nucleotide position 2801. The cysteine at codon 934 is replaced by serine, an amino acid with dissimilar properties. This amino acid position is conserved. In addition, this alteration is predicted to be tolerated by in silico analysis. Based on the available evidence, the clinical significance of this variant remains unclear.

Labcorp Genetics (formerly Invitae), Labcorp
Classification: Uncertain significance for Dyskeratosis congenita, autosomal recessive 5; Pulmonary fibrosis and/or bone marrow failure, Telomere-related, 3. Last evaluated: 2024-03-26. Review status: criteria provided, single submitter. Criteria: Invitae Variant Classification Sherloc (09022015). Collection method: clinical testing. Allele origin: germline.
Comment: This sequence change replaces cysteine, which is neutral and slightly polar, with serine, which is neutral and polar, at codon 934 of the RTEL1 protein (p.Cys934Ser). This variant is not present in population databases (gnomAD no frequency). This variant has not been reported in the literature in individuals affected with RTEL1-related conditions. ClinVar contains an entry for this variant (Variation ID: 1060343). Algorithms developed to predict the effect of missense changes on protein structure and function output the following: SIFT: "Not Available"; PolyPhen-2: "Benign"; Align-GVGD: "Not Available". The serine amino acid residue is found in multiple mammalian species, which suggests that this missense change does not adversely affect protein function. In summary, the available evidence is currently insufficient to determine the role of this variant in disease. Therefore, it has been classified as a Variant of Uncertain Significance.

Fulgent Genetics
Classification: Uncertain significance for Dyskeratosis congenita, autosomal recessive 5; Pulmonary fibrosis and/or bone marrow failure, Telomere-related, 3. Last evaluated: 2024-01-25. Review status: criteria provided, single submitter. Criteria: ACMG Guidelines, 2015. Collection method: clinical testing. Allele origin: germline.